The following is an entry in ClinVar:

NM_001278.5(CHUK):c.1046C>G (p.Thr349Ser)

Gene: CHUK (component of inhibitor of nuclear factor kappa B kinase complex; minus strand). Cytogenetic location: 10q24.31.
Variant type: single nucleotide variant.
Coding change: c.1046C>G on transcript NM_001278.5 (MANE Select); coding-DNA position 1046, C replaced by G.
Protein change: p.Thr349Ser; replaces threonine 349 with serine.
Molecular consequence: missense variant.
Genome position (GRCh38, 1-based): chr10:100,209,677, G>C on the plus strand (C>G on the coding strand, the complement: CHUK is on the minus strand). VCF-style: chr10-100209677-G-C. GRCh37 (hg19) VCF-style: chr10-101969434-G-C.
Other names: c.1046C>G, p.Thr349Ser (NM_001320928.2); short protein forms T349S.
Identifiers: ClinVar variation 3267295 (VCV003267295.3).

ClinVar aggregate classification (germline): Uncertain significance. Review status: criteria provided, multiple submitters, no conflicts (2 of 4 stars). 2 submissions from 2 submitters: Uncertain significance (2). Last evaluated 2024-11-04.

Conditions:
Inborn genetic diseases. Identifiers: MedGen C0950123, MeSH D030342.

Submissions (2):

Labcorp Genetics (formerly Invitae), Labcorp
Classification: Uncertain significance. Last evaluated: 2024-11-04. Review status: criteria provided, single submitter. Criteria: Invitae Variant Classification Sherloc (09022015). Collection method: clinical testing. Allele origin: germline.
Comment: This sequence change replaces threonine, which is neutral and polar, with serine, which is neutral and polar, at codon 349 of the CHUK protein (p.Thr349Ser). This variant is not present in population databases (gnomAD no frequency). This variant has not been reported in the literature in individuals affected with CHUK-related conditions. An algorithm developed to predict the effect of missense changes on protein structure and function (PolyPhen-2) suggests that this variant is likely to be disruptive. In summary, the available evidence is currently insufficient to determine the role of this variant in disease. Therefore, it has been classified as a Variant of Uncertain Significance.

Ambry Genetics
Classification: Uncertain significance for Inborn genetic diseases. Last evaluated: 2024-04-15. Review status: criteria provided, single submitter. Criteria: Ambry Variant Classification Scheme 2023. Collection method: clinical testing. Allele origin: germline.